The following is an entry in ClinVar:

ClinVar aggregate classification (germline): Uncertain significance. Review status: criteria provided, multiple submitters, no conflicts (2 of 4 stars). 2 submissions from 2 submitters: Uncertain significance (2). Last evaluated 2025-05-23.

Allele frequency attached by ClinVar (database versions not stated): TOPMed 0.00001; gnomAD exomes 0.00002 and 0.00001; ExAC 0.00003.
gnomAD v4.1: 6 of 1,611,030 alleles (0.00037%); highest among the groups gnomAD compares: Admixed American, 0.01%; no homozygotes.

Submissions (2):

Ambry Genetics
Classification: Uncertain significance. Last evaluated: 2025-05-23. Review status: criteria provided, single submitter. Criteria: Ambry Variant Classification Scheme 2023. Collection method: clinical testing. Allele origin: germline.

Women's Health and Genetics/Laboratory Corporation of America, LabCorp
Classification: Uncertain significance. Last evaluated: 2019-10-24. Review status: criteria provided, single submitter. Criteria: LabCorp Variant Classification Summary - May 2015. Collection method: clinical testing. Allele origin: germline.
Comment: Variant summary: NUP62 c.811A>T (p.Thr271Ser) results in a conservative amino acid change in the encoded protein sequence. Five of five in-silico tools predict a benign effect of the variant on protein function. The variant allele was found at a frequency of 2.4e-05 in 247418 control chromosomes (gnomAD). The available data on variant occurrences in the general population are insufficient to allow any conclusion about variant significance. To our knowledge, no occurrence of c.811A>T in individuals affected with Striatonigral degeneration (infantile) and no experimental evidence demonstrating its impact on protein function have been reported. No clinical diagnostic laboratories have submitted clinical-significance assessments for this variant to ClinVar after 2014. Based on the evidence outlined above, the variant was classified as uncertain significance.

NM_016553.5(NUP62):c.811A>T (p.Thr271Ser)

Genes: IL4I1 (interleukin 4 induced 1; minus strand), NUP62 (nucleoporin 62; minus strand). Cytogenetic location: 19q13.33.
Variant type: single nucleotide variant.
Coding change: c.811A>T on transcript NM_016553.5 (MANE Select); coding-DNA position 811, A replaced by T.
Protein change: p.Thr271Ser; replaces threonine 271 with serine.
Molecular consequence: missense variant. On other transcripts: intron variant (3).
Genome position (GRCh38, 1-based): chr19:49,908,997, T>A on the plus strand (A>T on the coding strand, the complement: NUP62 is on the minus strand). VCF-style: chr19-49908997-T-A. GRCh37 (hg19) VCF-style: chr19-50412254-T-A.
Other names: c.811A>T, p.Thr271Ser (NM_001193357.2, NM_012346.5, NM_153718.4 and 1 more transcripts); c.-227-4676A>T (NM_001258017.2, NM_172374.3); c.-285-4676A>T (NM_001258018.2); short protein forms T271S.
Identifiers: ClinVar variation 928830 (VCV000928830.4), dbSNP rs763897777, ClinGen allele CA9589042.